The following is an entry in ClinVar:

NM_152564.5(VPS13B):c.11572G>A (p.Glu3858Lys)

Gene: VPS13B (vacuolar protein sorting 13 homolog B; plus strand). Cytogenetic location: 8q22.2.
Variant type: single nucleotide variant.
Coding change: c.11572G>A on transcript NM_152564.5 (MANE Select); coding-DNA position 11572, G replaced by A.
Protein change: p.Glu3858Lys; replaces glutamic acid 3858 with lysine.
Molecular consequence: missense variant.
Genome position (GRCh38, 1-based): chr8:99,871,524, G>A. VCF-style: chr8-99871524-G-A. GRCh37 (hg19) VCF-style: chr8-100883752-G-A.
Other names: c.11647G>A (NM_017890.4); c.11647G>A, p.Glu3883Lys (NM_017890.5); short protein forms E3883K, E3858K.
Identifiers: ClinVar variation 1519690 (VCV001519690.4), dbSNP rs910829293, ClinGen allele CA182331606.
Genomic context (GRCh38, chr8:99,871,524, plus strand): 5'-CTGGGCAGACCAGAAGTCCACATGGCCCTGGACGTGGTTCTGGTGAGGGGCTCAGGCCAG[G>A]AGCATGAAGGGTGCTTGCTGCTGACATCAGAAGTGCTCTTCGTGGTGAGTGTCAGTGAGG-3'
Protein context (NP_689777.3, residues 3848-3868): DVVLVRGSGQ[Glu3858Lys]HEGCLLLTSE

ClinVar aggregate classification (germline): Uncertain significance. Review status: criteria provided, single submitter (1 of 4 stars). 2 submissions from 2 submitters: Uncertain significance (1). 1 of the submissions does not count toward it. Last evaluated 2022-08-23.

Conditions:
Cohen syndrome (COH1). Also called: PEPPER SYNDROME; Cutis verticis gyrata, retinitis pigmentosa, and sensorineural deafness. Identifiers: Orphanet 193, MedGen C0265223, MONDO:0008999, OMIM 216550.

Allele frequency attached by ClinVar (database versions not stated): TOPMed 0.00001.
gnomAD v4.1: 21 of 1,614,228 alleles (0.0013%); highest among the groups gnomAD compares: Non-Finnish European, 0.0018%; no homozygotes.

Submissions (2):

Labcorp Genetics (formerly Invitae), Labcorp
Classification: Uncertain significance for Cohen syndrome. Last evaluated: 2022-08-23. Review status: criteria provided, single submitter. Criteria: Invitae Variant Classification Sherloc (09022015). Collection method: clinical testing. Allele origin: germline.
Comment: This sequence change replaces glutamic acid, which is acidic and polar, with lysine, which is basic and polar, at codon 3883 of the VPS13B protein (p.Glu3883Lys). This variant is not present in population databases (gnomAD no frequency). This variant has not been reported in the literature in individuals affected with VPS13B-related conditions. ClinVar contains an entry for this variant (Variation ID: 1519690). Algorithms developed to predict the effect of missense changes on protein structure and function are either unavailable or do not agree on the potential impact of this missense change (SIFT: "Not Available"; PolyPhen-2: "Benign"; Align-GVGD: "Not Available"). In summary, the available evidence is currently insufficient to determine the role of this variant in disease. Therefore, it has been classified as a Variant of Uncertain Significance.

Natera, Inc.
Classification: Uncertain significance for Cohen syndrome. Last evaluated: 2025-04-11. Review status: no assertion criteria provided. Collection method: clinical testing. Allele origin: germline. Not counted in ClinVar's aggregate classification.